The following is an entry in ClinVar:

ClinVar aggregate classification (germline): Pathogenic. Review status: criteria provided, multiple submitters, no conflicts (2 of 4 stars). 8 submissions from 8 submitters: Pathogenic (8). Last evaluated 2026-05-04.

Conditions:
Neuromuscular disease caused by qualitative or quantitative defects of dysferlin. Also called: Qualitative or quantitative defects of dysferlin; Dysferlinopathy. Identifiers: Orphanet 207073, MedGen C2931687, MONDO:0016145.
Miyoshi muscular dystrophy 1 (MMD1). Identifiers: Orphanet 45448, MedGen C4551973, MONDO:0024545, OMIM 254130.
DYSF-related disorder. Also called: DYSF-related condition; DYSF-related disorders.
Autosomal recessive limb-girdle muscular dystrophy type 2B (LGMDR2). Also called: MUSCULAR DYSTROPHY, LIMB-GIRDLE, TYPE 3; MUSCULAR DYSTROPHY, LIMB-GIRDLE, AUTOSOMAL RECESSIVE 2; Limb-Girdle Muscular Dystrophy Type 2B (LGMD2B); Limb-girdle muscular dystrophy, type 2B. Identifiers: Orphanet 268, MedGen C1850889, MONDO:0009676, OMIM 253601.
Distal myopathy with anterior tibial onset. Identifiers: Orphanet 178400, MedGen C1847532, MONDO:0011721, OMIM 606768.

Allele frequency attached by ClinVar (database versions not stated): gnomAD exomes 0.00001.
gnomAD v4.1: 15 of 1,614,050 alleles (0.00093%); highest among the groups gnomAD compares: Non-Finnish European, 0.00059%; no homozygotes.

Submissions (8):

Division of Neurology, Stellenbosch University
Classification: Pathogenic for Autosomal recessive limb-girdle muscular dystrophy type 2B. Last evaluated: 2026-05-04. Review status: criteria provided, single submitter. Criteria: ACMG Guidelines, 2015. Collection method: research. Allele origin: germline. Inheritance: Autosomal recessive inheritance. Affected: yes. Observed: 5 variant alleles, 4 homozygotes.
Comment: PVS1_Very Strong: Null variant in a gene where loss of function is a known mechanism of disease; PM2_Supporting: the highest population allele frequency in gnomAD v4.1 is 0.0001280 (0.01%; 8/62504 alleles in Remaining population); PM3_Moderate: Homozygous occurrence in multiple cases (PMID: 29879922).

Natera, Inc.
Classification: Pathogenic for Limb-girdle muscular dystrophy type 2B. Last evaluated: 2025-10-10. Review status: criteria provided, single submitter. Criteria: Natera Variant Classification Schema (03/2026). Collection method: clinical testing. Allele origin: germline.
Comment: The c.4299C>G variant in DYSF is a nonsense variant predicted to introduce a stop codon at amino acid 1433. This variant is expected to result in nonsense mediated decay, truncation, or a dysfunctional protein product. This variant is rare in the general population with a frequency below the threshold expected for the associated phenotype(s). This variant has been observed in one or more individuals affected with the associated recessive disease, as either homozygous or compound heterozygous with a second variant (PMID: 29879922). Given the available evidence, this variant is classified as Pathogenic.

Clinical Omics and Informatics (COIN) Unit, Neuroscience Institute, University Of Cape Town
Classification: Pathogenic for Neuromuscular disease caused by qualitative or quantitative defects of dysferlin. Last evaluated: 2025-02-10. Review status: criteria provided, single submitter. Criteria: ACMG Guidelines, 2015. Collection method: research. Allele origin: germline. Inheritance: Autosomal recessive inheritance. Affected: yes. Observed: 1 variant allele, 1 homozygote.
Comment: The highest population allele frequency in gnomAD v4.0 is 0.000017 (0.002%; 8/62504 alleles in Remaining population) and there are no homozygous observations. PM3_Strong: 2.5 points awarded for compound heterozygote occurrences of this variant in 4 probands. PS4_Moderate: variant identified in homozygous state in ≥ 5 unrelated probands with consistent phenotype for disorder. PVS1_Strong: nonsense variant predicted to undergo NMD, exon is present in biologically-relevant transcripts and loss of function is a known mechanism of disease (PMID: 17698709). Sequencing funded by the International Centre for Genomic Medicine in Neuromuscular Diseases (ICGNMD).

Labcorp Genetics (formerly Invitae), Labcorp
Classification: Pathogenic for Neuromuscular disease caused by qualitative or quantitative defects of dysferlin. Last evaluated: 2024-10-24. Review status: criteria provided, single submitter. Criteria: Invitae Variant Classification Sherloc (09022015). Collection method: clinical testing. Allele origin: germline.
Comment: This sequence change creates a premature translational stop signal (p.Tyr1433*) in the DYSF gene. It is expected to result in an absent or disrupted protein product. Loss-of-function variants in DYSF are known to be pathogenic (PMID: 17698709, 20301480). This variant is not present in population databases (gnomAD no frequency). This premature translational stop signal has been observed in individual(s) with DYSF-related conditions (internal data). ClinVar contains an entry for this variant (Variation ID: 285584). For these reasons, this variant has been classified as Pathogenic.

Fulgent Genetics
Classification: Pathogenic for Autosomal recessive limb-girdle muscular dystrophy type 2B; Miyoshi muscular dystrophy 1; Distal myopathy with anterior tibial onset. Last evaluated: 2024-03-06. Review status: criteria provided, single submitter. Criteria: ACMG Guidelines, 2015. Collection method: clinical testing. Allele origin: germline.

Blueprint Genetics
Classification: Pathogenic for DYSF-related disorders. Last evaluated: 2024-02-12. Review status: criteria provided, single submitter. Criteria: ACMG Guidelines, 2015. Collection method: clinical testing. Allele origin: germline. Affected: yes. Observed: 1 variant allele.

Baylor Genetics
Classification: Pathogenic for Miyoshi muscular dystrophy 1. Last evaluated: 2023-09-23. Review status: criteria provided, single submitter. Criteria: ACMG Guidelines, 2015. Collection method: clinical testing. Allele origin: unknown.

Eurofins Ntd Llc (ga)
Classification: Pathogenic. Last evaluated: 2016-01-14. Review status: criteria provided, single submitter. Criteria: EGL Classification Definitions 2015. Collection method: clinical testing. Allele origin: germline. Observed: 1 variant allele, 1 heterozygote.

Literature cited by the submitters: PubMed 29879922 (cited by Division of Neurology, Stellenbosch University and Natera, Inc.); PubMed 17698709 (cited by Clinical Omics and Informatics (COIN) Unit, Neuroscience Institute, University Of Cape Town and Labcorp Genetics (formerly Invitae), Labcorp); PubMed 20301480 (cited by Labcorp Genetics (formerly Invitae), Labcorp).

NM_001130987.2(DYSF):c.4353C>G (p.Tyr1451Ter)

Gene: DYSF (dysferlin; plus strand). Cytogenetic location: 2p13.2.
Variant type: single nucleotide variant.
Coding change: c.4353C>G on transcript NM_001130987.2 (MANE Select); coding-DNA position 4353, C replaced by G.
Protein change: p.Tyr1451Ter; replaces tyrosine 1451 with a stop codon.
Molecular consequence: nonsense.
Genome position (GRCh38, 1-based): chr2:71,612,772, C>G. VCF-style: chr2-71612772-C-G. GRCh37 (hg19) VCF-style: chr2-71839902-C-G.
Other names: c.4302C>G, p.Tyr1434Ter (NM_001130455.2, NM_001130983.2); c.4257C>G, p.Tyr1419Ter (NM_001130976.2, NM_001130977.2); c.4299C>G, p.Tyr1433Ter (NM_001130978.2, NM_003494.4); c.4392C>G, p.Tyr1464Ter (NM_001130979.2); c.4350C>G, p.Tyr1450Ter (NM_001130980.2, NM_001130981.2); c.4395C>G, p.Tyr1465Ter (NM_001130982.2); c.4260C>G, p.Tyr1420Ter (NM_001130984.2, NM_001130986.2); c.4353C>G, p.Tyr1451Ter (NM_001130985.2); short protein forms Y1433*, Y1451*, Y1420*, Y1434*, Y1464*, Y1450*, Y1465*, Y1419*.
Identifiers: ClinVar variation 285584 (VCV000285584.18), dbSNP rs886043145, ClinGen allele CA10605167.
Genomic context (GRCh38, chr2:71,612,772, plus strand): 5'-CCGGCCTGTGGTGGGCCAGTGTACCATCCGCTCCCTGGAGAGCTTCCTGTGTGACCCCTA[C>G]TCGGCGGAGAGTCCATCCCCACAGGGTGGCCCAGGTAGGGGAAGGGGAGATGATGGGCAG-3'